The following is an entry in ClinVar:

ClinVar aggregate classification (germline): Benign/Likely benign. Review status: criteria provided, multiple submitters, no conflicts (2 of 4 stars). 4 submissions from 4 submitters: Benign (1); Likely benign (3). Last evaluated 2026-01-28.

Conditions:
Hereditary cancer-predisposing syndrome. Also called: Neoplastic Syndromes, Hereditary; Hereditary Cancer Syndrome; Hereditary neoplastic syndrome; Tumor predisposition. Identifiers: Orphanet 140162, MedGen C0027672, MeSH D009386, MONDO:0015356.
Pheochromocytoma/paraganglioma syndrome 5. Also called: Paragangliomas 5; SDHA-Related Hereditary Paraganglioma-Pheochromocytoma Syndrome. Identifiers: Orphanet 29072, MedGen C3279992, MONDO:0013602, OMIM 614165.
Mitochondrial complex II deficiency, nuclear type 1. Also called: SUCCINATE CoQ REDUCTASE DEFICIENCY. Identifiers: Orphanet 3208, MedGen C5700310, MONDO:0100294, OMIM 252011.

Allele frequency attached by ClinVar (database versions not stated): ExAC 0.00001; gnomAD exomes 0.00001 and 0.00002; TOPMed 0.00003; gnomAD 0.00004; 1000 Genomes Project 30x 0.00016; 1000 Genomes Project 0.00020.
gnomAD v4.1: 42 of 1,613,636 alleles (0.0026%); highest among the groups gnomAD compares: Non-Finnish European, 0.0031%; no homozygotes.

Submissions (4):

Labcorp Genetics (formerly Invitae), Labcorp
Classification: Likely benign for Pheochromocytoma/paraganglioma syndrome 5; Mitochondrial complex II deficiency, nuclear type 1. Last evaluated: 2026-01-28. Review status: criteria provided, single submitter. Criteria: Invitae Variant Classification Sherloc (09022015). Collection method: clinical testing. Allele origin: germline.

Myriad Genetics, Inc.
Classification: Benign for Pheochromocytoma/paraganglioma syndrome 5. Last evaluated: 2025-03-03. Review status: criteria provided, single submitter. Criteria: Myriad Autosomal Dominant, Autosomal Recessive and X-Linked Classification Criteria (2023). Collection method: clinical testing. Allele origin: unknown.
Comment: This variant is considered benign. This variant is a silent/synonymous amino acid change and it is not expected to impact splicing.

GeneDx
Classification: Likely benign. Last evaluated: 2017-06-07. Review status: criteria provided, single submitter. Criteria: GeneDx Variant Classification (06012015). Collection method: clinical testing. Allele origin: germline. Affected: yes.
Comment: This variant is considered likely benign or benign based on one or more of the following criteria: it is a conservative change, it occurs at a poorly conserved position in the protein, it is predicted to be benign by multiple in silico algorithms, and/or has population frequency not consistent with disease.

Ambry Genetics
Classification: Likely benign for Hereditary cancer-predisposing syndrome. Last evaluated: 2016-03-12. Review status: criteria provided, single submitter. Criteria: Ambry Variant Classification Scheme 2023. Collection method: clinical testing. Allele origin: germline.

NM_004168.4(SDHA):c.705C>T (p.Ile235=)

Gene: SDHA (succinate dehydrogenase complex flavoprotein subunit A; plus strand). Cytogenetic location: 5p15.33.
Variant type: single nucleotide variant.
Coding change: c.705C>T on transcript NM_004168.4 (MANE Select); coding-DNA position 705, C replaced by T.
Protein change: p.Ile235=; no amino-acid change (isoleucine 235 retained).
Molecular consequence: synonymous variant.
Genome position (GRCh38, 1-based): chr5:228,268, C>T. VCF-style: chr5-228268-C-T. GRCh37 (hg19) VCF-style: chr5-228383-C-T.
Other names: c.561C>T, p.Ile187= (NM_001294332.2); c.705C>T, p.Ile235= (NM_001330758.2).
Identifiers: ClinVar variation 486370 (VCV000486370.17), dbSNP rs549892491, ClinGen allele CA3172945.